The following is an entry in ClinVar:

NM_000218.3(KCNQ1):c.85G>A (p.Gly29Ser)

Gene: KCNQ1 (potassium voltage-gated channel subfamily Q member 1; plus strand). Cytogenetic location: 11p15.5.
Variant type: single nucleotide variant.
Coding change: c.85G>A on transcript NM_000218.3 (MANE Select); coding-DNA position 85, G replaced by A.
Protein change: p.Gly29Ser; replaces glycine 29 with serine.
Molecular consequence: missense variant.
Genome position (GRCh38, 1-based): chr11:2,445,183, G>A. VCF-style: chr11-2445183-G-A. GRCh37 (hg19) VCF-style: chr11-2466413-G-A.
Other names: c.85G>A, p.Gly29Ser (NM_001406836.1, NM_001406838.1); c.-278G>A (NM_001406837.1); short protein forms G29S.
Identifiers: ClinVar variation 2078307 (VCV002078307.4), dbSNP rs2496741039, ClinGen allele CA379116108.
Genomic context (GRCh38, chr11:2,445,183, plus strand): 5'-AGGGCCGAGAGGAAGCGCTGGGGTTGGGGCCGCCTGCCAGGCGCCCGGCGGGGCAGCGCG[G>A]GCCTGGCCAAGAAGTGCCCCTTCTCGCTGGAGCTGGCGGAGGGCGGCCCGGCGGGCGGCG-3'
Protein context (NP_000209.2, residues 19-39): RLPGARRGSA[Gly29Ser]LAKKCPFSLE

ClinVar aggregate classification (germline): Uncertain significance (1 of 4 stars; one submission).

Conditions:
Long QT syndrome (LQTS). Identifiers: MedGen C0023976, MeSH D008133, MONDO:0002442. Disease mechanism: loss of function. Inheritance: Various modes of inheritance.

Allele frequency attached by ClinVar (database versions not stated): gnomAD exomes 0.00001.
gnomAD v4.1: 1 of 1,146,110 alleles (0.000087%); highest among the groups gnomAD compares: Non-Finnish European, 0.00011%; no homozygotes.

Submission:

Labcorp Genetics (formerly Invitae), Labcorp
Classification: Uncertain significance for Long QT syndrome. Last evaluated: 2023-05-15. Review status: criteria provided, single submitter. Criteria: Invitae Variant Classification Sherloc (09022015). Collection method: clinical testing. Allele origin: germline.
Comment: In summary, the available evidence is currently insufficient to determine the role of this variant in disease. Therefore, it has been classified as a Variant of Uncertain Significance. Algorithms developed to predict the effect of missense changes on protein structure and function output the following: SIFT: "Not Available"; PolyPhen-2: "Benign"; Align-GVGD: "Not Available". The serine amino acid residue is found in multiple mammalian species, which suggests that this missense change does not adversely affect protein function. ClinVar contains an entry for this variant (Variation ID: 2078307). This sequence change replaces glycine, which is neutral and non-polar, with serine, which is neutral and polar, at codon 29 of the KCNQ1 protein (p.Gly29Ser). This variant has not been reported in the literature in individuals affected with KCNQ1-related conditions. This variant is not present in population databases (gnomAD no frequency).